The following is an entry in ClinVar:

ClinVar aggregate classification (germline): Pathogenic/Likely pathogenic. Review status: criteria provided, multiple submitters, no conflicts (2 of 4 stars). 7 submissions from 7 submitters: Pathogenic (2); Likely pathogenic (4). 1 of the submissions does not count toward it. Last evaluated 2025-09-10.

Conditions:
Pyruvate kinase hyperactivity. Identifiers: MedGen C1863224, MONDO:0007067, OMIM 102900.
Pyruvate kinase deficiency of red cells (CNSHA2). Also called: PK DEFICIENCY; PYRUVATE KINASE DEFICIENCY OF ERYTHROCYTE; Pyruvate kinase deficiency, Amish type. Identifiers: Orphanet 766, MedGen C0340968, MONDO:0009950, OMIM 266200.

Allele frequency attached by ClinVar (database versions not stated): ExAC 0.00001; gnomAD 0.00001; TOPMed 0.00002.
gnomAD v4.1: 9 of 1,614,098 alleles (0.00056%); highest among the groups gnomAD compares: South Asian, 0.0055%; no homozygotes.

Submissions (7):

Genomic Medicine Center of Excellence, King Faisal Specialist Hospital and Research Centre
Classification: Likely pathogenic for Pyruvate kinase deficiency of red cells. Last evaluated: 2025-09-10. Review status: criteria provided, single submitter. Criteria: ACMG Guidelines, 2015. Collection method: clinical testing. Allele origin: germline.

GeneDx
Classification: Likely pathogenic. Last evaluated: 2025-02-21. Review status: criteria provided, single submitter. Criteria: GeneDx Variant Classification Process June 2021. Collection method: clinical testing. Allele origin: germline. Affected: yes.
Comment: RNA studies demonstrate a damaging effect: skipping of exon 9, leading to an in-frame deletion (PMID: 9166866); In silico analysis supports a deleterious effect on splicing; This variant is associated with the following publications: (PMID: 17654506, 19085939, 9166866, 18420493)

ARUP Laboratories, Molecular Genetics and Genomics, ARUP Laboratories
Classification: Pathogenic. Last evaluated: 2024-06-07. Review status: criteria provided, single submitter. Criteria: ARUP Molecular Germline Variant Investigation Process 2024. Collection method: clinical testing. Allele origin: germline.
Comment: The PKLR c.1269G>A; p.Ala423= variant (rs774652817, ClinVar ID: 1517), also known as PK ‘Kamata’, is reported in the literature, both as compound heterozygous and homozygous, in individuals with pyruvate kinase deficiency (Ayi 2008, Kanno 1997). In vitro functional analyses demonstrate skipping of exon 9 due to aberrant splicing, causing a deletion of 51 amino acids in the RBC subunit of PKLR (Kanno 1997). This variant is found in the general population with an overall allele frequency of 0.001% (3/282842 alleles) in the Genome Aggregation Database. Additionally, an alternative change at this position (c.1269G>C, p.Ala423=) has been reported in an individual with pyruvate kinase deficiency (Zanella 1997). This is a synonymous variant in a highly conserved nucleotide, and computational analyses (Alamut v.2.11) predict that this variant may impact splicing by weakening the nearby canonical donor splice site. Based on available information, this variant is considered to be pathogenic. References: Ayi K et al. Pyruvate kinase deficiency and malaria. N Engl J Med. 2008 Apr 24. PMID: 18420493. Kanno H et al. Frame shift mutation, exon skipping, and a two-codon deletion caused by splice site mutations account for pyruvate kinase deficiency. Blood. 1997 Jun 1. PMID: 9166866. Zanella A et al. Molecular characterization of PK-LR gene in pyruvate kinase-deficient Italian patients. Blood. 1997 May 15. PMID: 9160692.

Fulgent Genetics
Classification: Likely pathogenic for Pyruvate kinase hyperactivity; Pyruvate kinase deficiency of red cells. Last evaluated: 2024-01-31. Review status: criteria provided, single submitter. Criteria: ACMG Guidelines, 2015. Collection method: clinical testing. Allele origin: germline.

Labcorp Genetics (formerly Invitae), Labcorp
Classification: Pathogenic. Last evaluated: 2022-08-24. Review status: criteria provided, single submitter. Criteria: Invitae Variant Classification Sherloc (09022015). Collection method: clinical testing. Allele origin: germline.
Comment: For these reasons, this variant has been classified as Pathogenic. This variant disrupts a region of the PKLR protein in which other variant(s) (p.Glu407Lys) have been determined to be pathogenic (PMID: 16704447, 18759866). This suggests that this is a clinically significant region of the protein, and that variants that disrupt it are likely to be disease-causing. Variants that disrupt the consensus splice site are a relatively common cause of aberrant splicing (PMID: 17576681, 9536098). Studies have shown that this variant results in skipping of exon 8 (also referred to as exon 9 using alternate exon numbering), but is expected to preserve the integrity of the reading-frame (PMID: 9166866). ClinVar contains an entry for this variant (Variation ID: 1517). This variant has been observed in individual(s) with pyruvate kinase deficiency (PMID: 9166866, 18420493). This variant is present in population databases (rs774652817, gnomAD 0.006%). This sequence change affects codon 423 of the PKLR mRNA. It is a 'silent' change, meaning that it does not change the encoded amino acid sequence of the PKLR protein. RNA analysis indicates that this variant induces altered splicing and likely results in a shortened protein product.

Revvity Omics, Revvity
Classification: Likely pathogenic. Last evaluated: 2021-11-30. Review status: criteria provided, single submitter. Criteria: ACMG Guidelines, 2015. Collection method: clinical testing. Allele origin: germline.

OMIM
Classification: Pathogenic for ANEMIA, CONGENITAL, NONSPHEROCYTIC HEMOLYTIC, 2. Last evaluated: 2008-04-24. Review status: no assertion criteria provided. Collection method: literature only. Allele origin: germline. Not counted in ClinVar's aggregate classification.

Literature cited by the submitters: PubMed 16704447 (cited by Labcorp Genetics (formerly Invitae), Labcorp); PubMed 18759866 (cited by Labcorp Genetics (formerly Invitae), Labcorp); PubMed 17576681 (cited by Labcorp Genetics (formerly Invitae), Labcorp); PubMed 9536098 (cited by Labcorp Genetics (formerly Invitae), Labcorp); PubMed 9166866 (cited by Labcorp Genetics (formerly Invitae), Labcorp); PubMed 18420493 (cited by Labcorp Genetics (formerly Invitae), Labcorp and OMIM).

NM_000298.6(PKLR):c.1269G>A (p.Ala423=)

Gene: PKLR (pyruvate kinase L/R; minus strand). Cytogenetic location: 1q22.
Variant type: single nucleotide variant.
Coding change: c.1269G>A on transcript NM_000298.6 (MANE Select); coding-DNA position 1269, G replaced by A.
Protein change: p.Ala423=; no amino-acid change (alanine 423 retained).
Molecular consequence: synonymous variant.
Genome position (GRCh38, 1-based): chr1:155,293,438, C>T on the plus strand (G>A on the coding strand, the complement: PKLR is on the minus strand). VCF-style: chr1-155293438-C-T. GRCh37 (hg19) VCF-style: chr1-155263229-C-T.
Other names: 1269G-A; c.1269G>A, p.Ala423= (LRG_1136t1); c.1176G>A, p.Ala392= (NM_181871.4).
Identifiers: ClinVar variation 1517 (VCV000001517.13), dbSNP rs774652817, ClinGen allele CA1144059.